The following is an entry in ClinVar:

NM_170707.4(LMNA):c.101A>G (p.Asp34Gly)

Genes: LMNA (lamin A/C; plus strand), LOC129931597 (ATAC-STARR-seq lymphoblastoid silent region 1421; plus strand). Cytogenetic location: 1q22.
Variant type: single nucleotide variant.
Coding change: c.101A>G on transcript NM_170707.4 (MANE Select); coding-DNA position 101, A replaced by G.
Protein change: p.Asp34Gly; replaces aspartic acid 34 with glycine.
Molecular consequence: missense variant. On other transcripts: 5 prime UTR variant (8), intron variant (2).
Genome position (GRCh38, 1-based): chr1:156,115,019, A>G. VCF-style: chr1-156115019-A-G. GRCh37 (hg19) VCF-style: chr1-156084810-A-G.
Other names: c.101A>G, p.Asp34Gly (NM_001282625.2, NM_001282626.2, NM_001406983.1 and 6 more transcripts); c.-323A>G (NM_001406986.1); c.-301A>G (NM_001406990.1, NM_001406995.1, NM_001407002.1); c.-564A>G (NM_001406994.1, NM_001407000.1); c.-744A>G (NM_001406999.1); c.-407A>G (NM_001407001.1); c.-203+8196A>G (NM_001406993.1, NM_001407003.1); short protein forms D34G.
Identifiers: ClinVar variation 3764255 (VCV003764255.1).

ClinVar aggregate classification (germline): Uncertain significance (1 of 4 stars; one submission).

Submission:

GeneDx
Classification: Uncertain significance. Last evaluated: 2024-08-18. Review status: criteria provided, single submitter. Criteria: GeneDx Variant Classification Process June 2021. Collection method: clinical testing. Allele origin: germline. Affected: yes.
Comment: Not observed at significant frequency in large population cohorts (gnomAD); In silico analysis supports that this missense variant has a deleterious effect on protein structure/function; Has not been previously published as pathogenic or benign to our knowledge; This variant is associated with the following publications: (PMID: 10939567)